The following is an entry in ClinVar:

NM_004260.4(RECQL4):c.2698C>T (p.His900Tyr)

Gene: RECQL4 (RecQ like helicase 4; minus strand). Cytogenetic location: 8q24.3.
Variant type: single nucleotide variant.
Coding change: c.2698C>T on transcript NM_004260.4 (MANE Select); coding-DNA position 2698, C replaced by T.
Protein change: p.His900Tyr; replaces histidine 900 with tyrosine.
Molecular consequence: missense variant. On other transcripts: non-coding transcript variant (3).
Genome position (GRCh38, 1-based): chr8:144,512,904, G>A on the plus strand (C>T on the coding strand, the complement: RECQL4 is on the minus strand). VCF-style: chr8-144512904-G-A. GRCh37 (hg19) VCF-style: chr8-145738287-G-A.
Other names: c.2404C>T, p.His802Tyr (NM_001413017.1); c.2500C>T, p.His834Tyr (NM_001413018.1); c.2698C>T, p.His900Tyr (NM_001413019.1, NM_001413036.1); c.2602C>T, p.His868Tyr (NM_001413020.1); c.1627C>T, p.His543Tyr (NM_001413021.1, NM_001413022.1, NM_001413023.1 and 5 more transcripts); c.2569C>T, p.His857Tyr (NM_001413025.1); c.1561C>T, p.His521Tyr (NM_001413027.1, NM_001413030.1, NM_001413032.1 and 1 more transcripts); c.2347C>T, p.His783Tyr (NM_001413029.1); and 7 more; short protein forms H533Y, H856Y, H411Y, H499Y, H521Y, H477Y, H868Y, H543Y.
Identifiers: ClinVar variation 2898996 (VCV002898996.4), dbSNP rs2537997914, ClinGen allele CA372675144.

ClinVar aggregate classification (germline): Uncertain significance. Review status: criteria provided, multiple submitters, no conflicts (2 of 4 stars). 2 submissions from 2 submitters: Uncertain significance (2). Last evaluated 2024-12-29.

Conditions:
Inborn genetic diseases. Identifiers: MedGen C0950123, MeSH D030342.
Baller-Gerold syndrome (BGS). Also called: CRANIOSYNOSTOSIS WITH RADIAL DEFECTS. Identifiers: Orphanet 1225, MedGen C0265308, MONDO:0009039, OMIM 218600.

Allele frequency attached by ClinVar (database versions not stated): gnomAD exomes below 0.00001.
gnomAD v4.1: 2 of 1,589,260 alleles (0.00013%); highest among the groups gnomAD compares: South Asian, 0.0011%; no homozygotes.

Submissions (2):

Ambry Genetics
Classification: Uncertain significance for Inborn genetic diseases. Last evaluated: 2024-12-29. Review status: criteria provided, single submitter. Criteria: Ambry Variant Classification Scheme 2023. Collection method: clinical testing. Allele origin: germline.
Comment: The p.H900Y variant (also known as c.2698C>T), located in coding exon 15 of the RECQL4 gene, results from a C to T substitution at nucleotide position 2698. The histidine at codon 900 is replaced by tyrosine, an amino acid with similar properties. This amino acid position is conserved. Based on the available evidence, the clinical significance of this variant remains unclear.

Labcorp Genetics (formerly Invitae), Labcorp
Classification: Uncertain significance for Baller-Gerold syndrome. Last evaluated: 2023-08-09. Review status: criteria provided, single submitter. Criteria: Invitae Variant Classification Sherloc (09022015). Collection method: clinical testing. Allele origin: germline.
Comment: This sequence change replaces histidine, which is basic and polar, with tyrosine, which is neutral and polar, at codon 900 of the RECQL4 protein (p.His900Tyr). This variant is not present in population databases (gnomAD no frequency). This variant has not been reported in the literature in individuals affected with RECQL4-related conditions. Advanced modeling of protein sequence and biophysical properties (such as structural, functional, and spatial information, amino acid conservation, physicochemical variation, residue mobility, and thermodynamic stability) performed at Invitae indicates that this missense variant is expected to disrupt RECQL4 protein function. In summary, the available evidence is currently insufficient to determine the role of this variant in disease. Therefore, it has been classified as a Variant of Uncertain Significance.